The following is an entry in ClinVar:

ClinVar aggregate classification (germline): Uncertain significance (1 of 4 stars; one submission).

Submission:

Labcorp Genetics (formerly Invitae), Labcorp
Classification: Uncertain significance. Last evaluated: 2023-01-10. Review status: criteria provided, single submitter. Criteria: Invitae Variant Classification Sherloc (09022015). Collection method: clinical testing. Allele origin: germline.
Comment: In summary, the available evidence is currently insufficient to determine the role of this variant in disease. Therefore, it has been classified as a Variant of Uncertain Significance. Advanced modeling of protein sequence and biophysical properties (such as structural, functional, and spatial information, amino acid conservation, physicochemical variation, residue mobility, and thermodynamic stability) performed at Invitae indicates that this missense variant is expected to disrupt CHD8 protein function. This variant has not been reported in the literature in individuals affected with CHD8-related conditions. This variant is not present in population databases (gnomAD no frequency). This sequence change replaces serine, which is neutral and polar, with threonine, which is neutral and polar, at codon 1196 of the CHD8 protein (p.Ser1196Thr).

NM_001170629.2(CHD8):c.3587G>C (p.Ser1196Thr)

Gene: CHD8 (chromodomain helicase DNA binding protein 8; minus strand). Cytogenetic location: 14q11.2.
Variant type: single nucleotide variant.
Coding change: c.3587G>C on transcript NM_001170629.2 (MANE Select); coding-DNA position 3587, G replaced by C.
Protein change: p.Ser1196Thr; replaces serine 1196 with threonine.
Molecular consequence: missense variant.
Genome position (GRCh38, 1-based): chr14:21,403,144, C>G on the plus strand (G>C on the coding strand, the complement: CHD8 is on the minus strand). VCF-style: chr14-21403144-C-G. GRCh37 (hg19) VCF-style: chr14-21871303-C-G.
Other names: c.2750G>C, p.Ser917Thr (NM_020920.4); short protein forms S1196T, S917T.
Identifiers: ClinVar variation 2095034 (VCV002095034.4), dbSNP rs2501900904, ClinGen allele CA388900092.